The following is an entry in ClinVar:

ClinVar aggregate classification (germline): Likely pathogenic (1 of 4 stars; one submission).

Conditions:
Mucopolysaccharidosis, MPS-III-B (MPS3B). Also called: N-ACETYL-ALPHA-D-GLUCOSAMINIDASE DEFICIENCY; NAGLU DEFICIENCY; SANFILIPPO SYNDROME B; MPS III B; Mucopolysaccharidosis type IIIB (Sanfilippo B); MPS IIIB (Sanfilippo Syndrome Type B). Identifiers: Orphanet 79270, MedGen C0086648, MONDO:0009656, OMIM 252920.
Charcot-Marie-Tooth disease axonal type 2V. Also called: CHARCOT-MARIE-TOOTH NEUROPATHY, TYPE 2V; CHARCOT-MARIE-TOOTH DISEASE, AXONAL, AUTOSOMAL DOMINANT, TYPE 2V. Identifiers: Orphanet 447964, MedGen C5569050, MONDO:0014665, OMIM 616491.

Submission:

Labcorp Genetics (formerly Invitae), Labcorp
Classification: Likely pathogenic for Charcot-Marie-Tooth disease axonal type 2V; Mucopolysaccharidosis, MPS-III-B. Last evaluated: 2023-03-01. Review status: criteria provided, single submitter. Criteria: Invitae Variant Classification Sherloc (09022015). Collection method: clinical testing. Allele origin: germline.
Comment: This sequence change replaces glycine, which is neutral and non-polar, with aspartic acid, which is acidic and polar, at codon 79 of the NAGLU protein (p.Gly79Asp). This variant has not been reported in the literature in individuals affected with NAGLU-related conditions. This variant is not present in population databases (gnomAD no frequency). Advanced modeling of protein sequence and biophysical properties (such as structural, functional, and spatial information, amino acid conservation, physicochemical variation, residue mobility, and thermodynamic stability) performed at Invitae indicates that this missense variant is expected to disrupt NAGLU protein function. In summary, the currently available evidence indicates that the variant is pathogenic, but additional data are needed to prove that conclusively. Therefore, this variant has been classified as Likely Pathogenic. This variant disrupts the p.Gly79 amino acid residue in NAGLU. Other variant(s) that disrupt this residue have been determined to be pathogenic (PMID: 9950362, 21712855, 33747789). This suggests that this residue is clinically significant, and that variants that disrupt this residue are likely to be disease-causing. ClinVar contains an entry for this variant (Variation ID: 2023165).

Literature cited by the submitters: PubMed 9950362; PubMed 21712855; PubMed 33747789.

NM_000263.4(NAGLU):c.236G>A (p.Gly79Asp)

Genes: NAGLU (N-acetyl-alpha-glucosaminidase; plus strand), LOC130060903 (ATAC-STARR-seq lymphoblastoid silent region 8533; plus strand). Cytogenetic location: 17q21.2.
Variant type: single nucleotide variant.
Coding change: c.236G>A on transcript NM_000263.4 (MANE Select); coding-DNA position 236, G replaced by A.
Protein change: p.Gly79Asp; replaces glycine 79 with aspartic acid.
Molecular consequence: missense variant.
Genome position (GRCh38, 1-based): chr17:42,536,508, G>A. VCF-style: chr17-42536508-G-A. GRCh37 (hg19) VCF-style: chr17-40688526-G-A.
Other names: short protein forms G79D.
Identifiers: ClinVar variation 2023165 (VCV002023165.4), dbSNP rs2510650296, ClinGen allele CA399595754.